The following is an entry in ClinVar:

ClinVar aggregate classification (germline): Uncertain significance. Review status: criteria provided, single submitter (1 of 4 stars). 2 submissions from 2 submitters: Uncertain significance (1). 1 of the submissions does not count toward it. Last evaluated 2021-08-02.

Conditions:
Inborn genetic diseases. Identifiers: MedGen C0950123, MeSH D030342.
HCN2-related disorder. Also called: HCN2-related condition.

Allele frequency attached by ClinVar (database versions not stated): gnomAD 0.00001.

Submissions (2):

Ambry Genetics
Classification: Uncertain significance for Inborn genetic diseases. Last evaluated: 2021-08-02. Review status: criteria provided, single submitter. Criteria: Ambry Variant Classification Scheme 2023. Collection method: clinical testing. Allele origin: germline.

PreventionGenetics, part of Exact Sciences
Classification: Uncertain significance for HCN2-related condition. Last evaluated: 2024-04-25. Review status: no assertion criteria provided. Collection method: clinical testing. Allele origin: germline. Not counted in ClinVar's aggregate classification.
Comment: The HCN2 c.1750A>C variant is predicted to result in the amino acid substitution p.Ile584Leu. To our knowledge, this variant has not been reported in the literature. This variant is reported in 0.00089% of alleles in individuals of European (Non-Finnish) descent in gnomAD. At this time, the clinical significance of this variant is uncertain due to the absence of conclusive functional and genetic evidence.

NM_001194.4(HCN2):c.1750A>C (p.Ile584Leu)

Gene: HCN2 (hyperpolarization activated cyclic nucleotide gated potassium and sodium channel 2; plus strand). Cytogenetic location: 19p13.3.
Variant type: single nucleotide variant.
Coding change: c.1750A>C on transcript NM_001194.4 (MANE Select); coding-DNA position 1750, A replaced by C.
Protein change: p.Ile584Leu; replaces isoleucine 584 with leucine.
Molecular consequence: missense variant.
Genome position (GRCh38, 1-based): chr19:613,413, A>C. VCF-style: chr19-613413-A-C. GRCh37 (hg19) VCF-style: chr19-613413-A-C.
Other names: short protein forms I584L.
Identifiers: ClinVar variation 2240882 (VCV002240882.3), dbSNP rs1483818563, ClinGen allele CA402881679.